The following is an entry in ClinVar:

ClinVar aggregate classification (germline): Uncertain significance (1 of 4 stars; one submission).

Allele frequency attached by ClinVar (database versions not stated): ExAC 0.00002; gnomAD 0.00003; ESP Exome Variant Server 0.00008.
gnomAD v4.1: 6 of 1,613,984 alleles (0.00037%); highest among the groups gnomAD compares: African/African-American, 0.008%; no homozygotes.

Submission:

Labcorp Genetics (formerly Invitae), Labcorp
Classification: Uncertain significance. Last evaluated: 2023-04-20. Review status: criteria provided, single submitter. Criteria: Invitae Variant Classification Sherloc (09022015). Collection method: clinical testing. Allele origin: germline.
Comment: This sequence change replaces methionine, which is neutral and non-polar, with isoleucine, which is neutral and non-polar, at codon 525 of the VCAN protein (p.Met525Ile). This variant is present in population databases (rs146518697, gnomAD 0.02%). In summary, the available evidence is currently insufficient to determine the role of this variant in disease. Therefore, it has been classified as a Variant of Uncertain Significance. Algorithms developed to predict the effect of missense changes on protein structure and function output the following: SIFT: "Not Available"; PolyPhen-2: "Benign"; Align-GVGD: "Not Available". The isoleucine amino acid residue is found in multiple mammalian species, which suggests that this missense change does not adversely affect protein function. ClinVar contains an entry for this variant (Variation ID: 2042438). This variant has not been reported in the literature in individuals affected with VCAN-related conditions.

NM_004385.5(VCAN):c.1575G>A (p.Met525Ile)

Gene: VCAN (versican; plus strand). Cytogenetic location: 5q14.3.
Variant type: single nucleotide variant.
Coding change: c.1575G>A on transcript NM_004385.5 (MANE Select); coding-DNA position 1575, G replaced by A.
Protein change: p.Met525Ile; replaces methionine 525 with isoleucine.
Molecular consequence: missense variant. On other transcripts: intron variant (2).
Genome position (GRCh38, 1-based): chr5:83,519,881, G>A. VCF-style: chr5-83519881-G-A. GRCh37 (hg19) VCF-style: chr5-82815700-G-A.
Other names: c.1042+7485G>A (NM_001164097.2, NM_001126336.3); c.1575G>A, p.Met525Ile (NM_001164098.2); short protein forms M525I.
Identifiers: ClinVar variation 2042438 (VCV002042438.4), dbSNP rs146518697, ClinGen allele CA3332704.